The following is an entry in ClinVar:

NM_001048166.1(STIL):c.267T>A (p.Asp89Glu)

Gene: STIL (STIL centriolar assembly protein; minus strand). Cytogenetic location: 1p33.
Variant type: single nucleotide variant.
Coding change: c.267T>A on transcript NM_001048166.1 (MANE Select); coding-DNA position 267, T replaced by A.
Protein change: p.Asp89Glu; replaces aspartic acid 89 with glutamic acid.
Molecular consequence: missense variant.
Genome position (GRCh38, 1-based): chr1:47,301,747, A>T on the plus strand (T>A on the coding strand, the complement: STIL is on the minus strand). VCF-style: chr1-47301747-A-T. GRCh37 (hg19) VCF-style: chr1-47767419-A-T.
Other names: c.267T>A, p.Asp89Glu (NM_001282936.1, NM_001282937.1, NM_001282938.1 and 3 more transcripts); short protein forms D89E.
Identifiers: ClinVar variation 1470103 (VCV001470103.8), dbSNP rs766925193, ClinGen allele CA842620.

ClinVar aggregate classification (germline): Uncertain significance (1 of 4 stars; one submission).

Allele frequency attached by ClinVar (database versions not stated): gnomAD exomes below 0.00001 and 0.00001; ExAC 0.00001; TOPMed 0.00005; gnomAD 0.00006 and 0.00007.
gnomAD v4.1: 16 of 1,613,764 alleles (0.00099%); highest among the groups gnomAD compares: African/African-American, 0.016%; no homozygotes.

Submission:

Labcorp Genetics (formerly Invitae), Labcorp
Classification: Uncertain significance. Last evaluated: 2022-08-22. Review status: criteria provided, single submitter. Criteria: Invitae Variant Classification Sherloc (09022015). Collection method: clinical testing. Allele origin: germline.
Comment: This sequence change replaces aspartic acid, which is acidic and polar, with glutamic acid, which is acidic and polar, at codon 89 of the STIL protein (p.Asp89Glu). This variant is present in population databases (rs766925193, gnomAD 0.03%). This variant has not been reported in the literature in individuals affected with STIL-related conditions. ClinVar contains an entry for this variant (Variation ID: 1470103). Algorithms developed to predict the effect of missense changes on protein structure and function (SIFT, PolyPhen-2, Align-GVGD) all suggest that this variant is likely to be disruptive. Algorithms developed to predict the effect of sequence changes on RNA splicing suggest that this variant may create or strengthen a splice site. In summary, the available evidence is currently insufficient to determine the role of this variant in disease. Therefore, it has been classified as a Variant of Uncertain Significance.